The following is an entry in ClinVar:

ClinVar aggregate classification (germline): Likely benign. Review status: criteria provided, single submitter (1 of 4 stars). 2 submissions from 2 submitters: Likely benign (1). 1 of the submissions does not count toward it. Last evaluated 2019-12-15.

Conditions:
RPGRIP1L-related disorder. Also called: RPGRIP1L-related disorders; RPGRIP1L-related condition. Identifiers: MedGen CN239416.
Meckel-Gruber syndrome. Also called: DYSENCEPHALIA SPLANCHNOCYSTICA; GRUBER SYNDROME; Dysencephalia splachnocystica. Identifiers: Orphanet 564, MedGen C0265215, MONDO:0018921.
Joubert syndrome. Also called: Familial aplasia of the vermis; JOUBERT-BOLTSHAUSER SYNDROME. Identifiers: Orphanet 475, MedGen C5979921, MONDO:0018772.

Allele frequency attached by ClinVar (database versions not stated): gnomAD exomes below 0.00001; gnomAD 0.00001.
gnomAD v4.1: 2 of 1,613,444 alleles (0.00012%); highest among the groups gnomAD compares: Non-Finnish European, 0.00017%; no homozygotes.

Submissions (2):

Labcorp Genetics (formerly Invitae), Labcorp
Classification: Likely benign for Joubert syndrome; Meckel-Gruber syndrome. Last evaluated: 2019-12-15. Review status: criteria provided, single submitter. Criteria: Invitae Variant Classification Sherloc (09022015). Collection method: clinical testing. Allele origin: germline.

PreventionGenetics, part of Exact Sciences
Classification: Likely benign for RPGRIP1L-related condition. Last evaluated: 2024-02-05. Review status: no assertion criteria provided. Collection method: clinical testing. Allele origin: germline. Not counted in ClinVar's aggregate classification.
Comment: This variant is classified as likely benign based on ACMG/AMP sequence variant interpretation guidelines (Richards et al. 2015 PMID: 25741868, with internal and published modifications).

NM_015272.5(RPGRIP1L):c.642T>G (p.Val214=)

Gene: RPGRIP1L (RPGRIP1 like; minus strand). Cytogenetic location: 16q12.2.
Variant type: single nucleotide variant.
Coding change: c.642T>G on transcript NM_015272.5 (MANE Select); coding-DNA position 642, T replaced by G.
Protein change: p.Val214=; no amino-acid change (valine 214 retained).
Molecular consequence: synonymous variant.
Genome position (GRCh38, 1-based): chr16:53,686,567, A>C on the plus strand (T>G on the coding strand, the complement: RPGRIP1L is on the minus strand). VCF-style: chr16-53686567-A-C. GRCh37 (hg19) VCF-style: chr16-53720479-A-C.
Other names: c.642T>G, p.Val214= (NM_001127897.4, NM_001308334.3, NM_001330538.2); c.642T>G (NM_015272.4).
Identifiers: ClinVar variation 1120849 (VCV001120849.13), dbSNP rs1970032678, ClinGen allele CA495539073.